The following is an entry in ClinVar:

NM_021930.6(RINT1):c.281C>A (p.Thr94Lys)

Gene: RINT1 (RAD50 interactor 1; plus strand). Cytogenetic location: 7q22.3.
Variant type: single nucleotide variant.
Coding change: c.281C>A on transcript NM_021930.6 (MANE Select); coding-DNA position 281, C replaced by A.
Protein change: p.Thr94Lys; replaces threonine 94 with lysine.
Molecular consequence: missense variant. On other transcripts: 5 prime UTR variant (3), non-coding transcript variant (1).
Genome position (GRCh38, 1-based): chr7:105,542,415, C>A. VCF-style: chr7-105542415-C-A. GRCh37 (hg19) VCF-style: chr7-105182862-C-A.
Other names: c.47C>A, p.Thr16Lys (NM_001346599.2); c.-739C>A (NM_001346600.2); c.-642C>A (NM_001346601.2); c.-262C>A (NM_001346603.2); short protein forms T16K, T94K.
Identifiers: ClinVar variation 934728 (VCV000934728.12), dbSNP rs774464035, ClinGen allele CA4426395.

ClinVar aggregate classification (germline): Uncertain significance. Review status: criteria provided, multiple submitters, no conflicts (2 of 4 stars). 3 submissions from 3 submitters: Uncertain significance (3). Last evaluated 2025-08-07.

Conditions:
Infantile liver failure syndrome 3. Identifiers: MedGen C5231437, MONDO:0032844, OMIM 618641.

Allele frequency attached by ClinVar (database versions not stated): gnomAD below 0.00001 and 0.00002.
gnomAD v4.1: 48 of 1,596,718 alleles (0.003%); highest among the groups gnomAD compares: Middle Eastern, 0.066%; no homozygotes.

Submissions (3):

Ambry Genetics
Classification: Uncertain significance. Last evaluated: 2025-08-07. Review status: criteria provided, single submitter. Criteria: Ambry Variant Classification Scheme 2023. Collection method: clinical testing. Allele origin: germline.

Labcorp Genetics (formerly Invitae), Labcorp
Classification: Uncertain significance. Last evaluated: 2025-07-02. Review status: criteria provided, single submitter. Criteria: Invitae Variant Classification Sherloc (09022015). Collection method: clinical testing. Allele origin: germline.
Comment: This sequence change replaces threonine, which is neutral and polar, with lysine, which is basic and polar, at codon 94 of the RINT1 protein (p.Thr94Lys). This variant is present in population databases (rs774464035, gnomAD 0.02%). This variant has not been reported in the literature in individuals affected with RINT1-related conditions. ClinVar contains an entry for this variant (Variation ID: 934728). An algorithm developed to predict the effect of missense changes on protein structure and function (PolyPhen-2) suggests that this variant is likely to be tolerated. In summary, the available evidence is currently insufficient to determine the role of this variant in disease. Therefore, it has been classified as a Variant of Uncertain Significance.

Fulgent Genetics
Classification: Uncertain significance for Infantile liver failure syndrome 3. Last evaluated: 2024-01-08. Review status: criteria provided, single submitter. Criteria: ACMG Guidelines, 2015. Collection method: clinical testing. Allele origin: germline.